The following is an entry in ClinVar:

NM_003002.4(SDHD):c.85G>A (p.Ala29Thr)

Gene: SDHD (succinate dehydrogenase complex subunit D; plus strand). Cytogenetic location: 11q23.1.
Variant type: single nucleotide variant.
Coding change: c.85G>A on transcript NM_003002.4 (MANE Select); coding-DNA position 85, G replaced by A.
Protein change: p.Ala29Thr; replaces alanine 29 with threonine.
Molecular consequence: missense variant. On other transcripts: non-coding transcript variant (1), intron variant (1).
Genome position (GRCh38, 1-based): chr11:112,087,889, G>A. VCF-style: chr11-112087889-G-A. GRCh37 (hg19) VCF-style: chr11-111958613-G-A.
Other names: c.85G>A (NM_003002.2); c.85G>A, p.Ala29Thr (NM_001276503.2, NM_001276506.2); c.52+930G>A (NM_001276504.2); short protein forms A29T.
Identifiers: ClinVar variation 1961019 (VCV001961019.7), dbSNP rs776930864, ClinGen allele CA382616961.

ClinVar aggregate classification (germline): Uncertain significance. Review status: criteria provided, multiple submitters, no conflicts (2 of 4 stars). 2 submissions from 2 submitters: Uncertain significance (2). Last evaluated 2022-12-18.

Conditions:
Carney-Stratakis syndrome. Also called: PARAGANGLIOMA AND GASTROINTESTINAL STROMAL TUMOR. Identifiers: Orphanet 97286, MedGen C1847319, MONDO:0011740, OMIM 606864.
Cowden syndrome 3 (CWS3). Identifiers: Orphanet 201, MedGen CN166604, MONDO:0014045.
Pheochromocytoma. Also called: MAX-Related Hereditary Paraganglioma-Pheochromocytoma Syndrome. Identifiers: Orphanet 29072, MedGen C0031511, MONDO:0008233, OMIM 171300, HP:0002666.
Paragangliomas with sensorineural hearing loss. Identifiers: MedGen C1868633.
Hereditary cancer-predisposing syndrome. Also called: Hereditary Cancer Syndrome; Hereditary neoplastic syndrome; Tumor predisposition; Neoplastic Syndromes, Hereditary. Identifiers: Orphanet 140162, MedGen C0027672, MeSH D009386, MONDO:0015356.

Allele frequency attached by ClinVar (database versions not stated): gnomAD 0.00001.

Submissions (2):

Ambry Genetics
Classification: Uncertain significance for Hereditary cancer-predisposing syndrome. Last evaluated: 2022-12-18. Review status: criteria provided, single submitter. Criteria: Ambry Variant Classification Scheme 2023. Collection method: clinical testing. Allele origin: germline.
Comment: The p.A29T variant (also known as c.85G>A), located in coding exon 2 of the SDHD gene, results from a G to A substitution at nucleotide position 85. The alanine at codon 29 is replaced by threonine, an amino acid with similar properties. This amino acid position is conserved. In addition, the in silico prediction for this alteration is inconclusive. Since supporting evidence is limited at this time, the clinical significance of this alteration remains unclear.

Labcorp Genetics (formerly Invitae), Labcorp
Classification: Uncertain significance for Carney-Stratakis syndrome; Paragangliomas with sensorineural hearing loss; Pheochromocytoma; Cowden syndrome 3. Last evaluated: 2022-04-22. Review status: criteria provided, single submitter. Criteria: Invitae Variant Classification Sherloc (09022015). Collection method: clinical testing. Allele origin: germline.
Comment: In summary, the available evidence is currently insufficient to determine the role of this variant in disease. Therefore, it has been classified as a Variant of Uncertain Significance. Advanced modeling of protein sequence and biophysical properties (such as structural, functional, and spatial information, amino acid conservation, physicochemical variation, residue mobility, and thermodynamic stability) performed at Invitae indicates that this missense variant is not expected to disrupt SDHD protein function. This variant has not been reported in the literature in individuals affected with SDHD-related conditions. This variant is not present in population databases (gnomAD no frequency). This sequence change replaces alanine, which is neutral and non-polar, with threonine, which is neutral and polar, at codon 29 of the SDHD protein (p.Ala29Thr).